The following is an entry in ClinVar:

ClinVar aggregate classification (germline): Likely benign (1 of 4 stars; one submission).

Allele frequency attached by ClinVar (database versions not stated): 1000 Genomes Project 30x 0.00078; 1000 Genomes Project 0.00100; ExAC 0.00139; ESP Exome Variant Server 0.00161; gnomAD 0.00165; TOPMed 0.00197; gnomAD exomes 0.00229.

Submission:

CeGaT Center for Human Genetics Tuebingen
Classification: Likely benign. Last evaluated: 2023-01-01. Review status: criteria provided, single submitter. Criteria: CeGaT Center For Human Genetics Tuebingen Variant Classification Criteria Version 2. Collection method: clinical testing. Allele origin: germline. Affected: yes. Observed: 1 variant allele.
Comment: TRPM2: BP4, BS2

NM_003307.4(TRPM2):c.4266G>A (p.Met1422Ile)

Gene: TRPM2 (transient receptor potential cation channel subfamily M member 2; plus strand). Cytogenetic location: 21q22.3.
Variant type: single nucleotide variant.
Coding change: c.4266G>A on transcript NM_003307.4 (MANE Select); coding-DNA position 4266, G replaced by A.
Protein change: p.Met1422Ile; replaces methionine 1422 with isoleucine.
Molecular consequence: missense variant. On other transcripts: non-coding transcript variant (1).
Genome position (GRCh38, 1-based): chr21:44,439,165, G>A. VCF-style: chr21-44439165-G-A. GRCh37 (hg19) VCF-style: chr21-45859048-G-A.
Other names: c.4416G>A, p.Met1472Ile (NM_001320350.2); c.4164G>A, p.Met1388Ile (NM_001320351.2); c.309G>A, p.Met103Ile (NM_001320352.3); short protein forms M103I, M1388I, M1422I, M1472I.
Identifiers: ClinVar variation 2652756 (VCV002652756.24), dbSNP rs41277558, ClinGen allele CA10055847.